The following is an entry in ClinVar:

ClinVar aggregate classification (germline): Pathogenic/Likely pathogenic. Review status: criteria provided, multiple submitters, no conflicts (2 of 4 stars). 2 submissions from 2 submitters: Pathogenic (1); Likely pathogenic (1). Last evaluated 2025-03-22.

Conditions:
Epidermolysis bullosa dystrophica. Also called: Dystrophic epidermolysis bullosa, Hallopeau-Siemens type (formerly); Dystrophic epidermolysis bullosa. Identifiers: Orphanet 303, MedGen C0079294, MONDO:0006543.

Submissions (2):

Natera, Inc.
Classification: Likely pathogenic for Dystrophic epidermolysis bullosa. Last evaluated: 2025-03-22. Review status: criteria provided, single submitter. Criteria: Natera Variant Classification Schema (03/2026). Collection method: clinical testing. Allele origin: germline.
Comment: The c.7796dup variant in COL7A1 is a frameshift variant predicted to shift the reading frame beginning at codon 2600 and leads to a stop codon 28 codons downstream. This variant is expected to result in nonsense mediated decay, truncation, or a dysfunctional protein product. This variant is rare in the general population with a frequency below the threshold expected for the associated phenotype(s). Given the available evidence, this variant is classified as Likely Pathogenic.

Labcorp Genetics (formerly Invitae), Labcorp
Classification: Pathogenic. Last evaluated: 2023-08-29. Review status: criteria provided, single submitter. Criteria: Invitae Variant Classification Sherloc (09022015). Collection method: clinical testing. Allele origin: germline.
Comment: For these reasons, this variant has been classified as Pathogenic. Algorithms developed to predict the effect of sequence changes on RNA splicing suggest that this variant may create or strengthen a splice site. This variant has not been reported in the literature in individuals affected with COL7A1-related conditions. This variant is not present in population databases (gnomAD no frequency). This sequence change creates a premature translational stop signal (p.Ser2600Ilefs*28) in the COL7A1 gene. It is expected to result in an absent or disrupted protein product. Loss-of-function variants in COL7A1 are known to be pathogenic (PMID: 16971478).

Literature cited by the submitters: PubMed 16971478 (cited by Labcorp Genetics (formerly Invitae), Labcorp).

NM_000094.3(COL7A1):c.7796dup

Gene: COL7A1 (collagen type VII alpha 1 chain; minus strand). Cytogenetic location: 3p21.31.
Variant type: Duplication.
Coding change: c.7796dup on transcript NM_000094.3; coding-DNA position 7796, one base duplicated (G; older notation c.7796dupG).
Genome position (GRCh38, 1-based): chr3:48,568,169, C duplicated on the plus strand (G on the coding strand, the reverse complement: COL7A1 is on the minus strand); the first of 3 consecutive C bases (chr3:48,568,169-48,568,171); duplicating any one gives the same sequence. VCF-style (leftmost placement, unchanged base first): chr3-48568168-T-TC. GRCh37 (hg19) VCF-style: chr3-48605601-T-TC.
Identifiers: ClinVar variation 2755875 (VCV002755875.3), dbSNP rs2043693244, ClinGen allele CA1363076754.
Genomic context (GRCh38, chr3:48,568,168, plus strand): 5'-CATGAAGCCAACATCTCCTTTTTCTCCTCGGATACCAGGCACTCCATCCTTTCCTGGGGA[T>TC]CCCTAGCAGGGAGAGGGTCCATGTGAGGTCAGAGGAGGTCAGTGAGGGACCAAAGAGAAT-3'